The following is an entry in ClinVar:

ClinVar aggregate classification (germline): Uncertain significance (1 of 4 stars; one submission).

Submission:

GeneDx
Classification: Uncertain significance. Last evaluated: 2024-04-15. Review status: criteria provided, single submitter. Criteria: GeneDx Variant Classification Process June 2021. Collection method: clinical testing. Allele origin: germline. Affected: yes.
Comment: Not observed at significant frequency in large population cohorts (gnomAD); In silico analysis supports that this missense variant has a deleterious effect on protein structure/function; Has not been previously published as pathogenic or benign to our knowledge

NM_201599.3(ZMYM3):c.693T>G (p.Ser231Arg)

Gene: ZMYM3 (zinc finger MYM-type containing 3; minus strand). Cytogenetic location: Xq13.1.
Variant type: single nucleotide variant.
Coding change: c.693T>G on transcript NM_201599.3 (MANE Select); coding-DNA position 693, T replaced by G.
Protein change: p.Ser231Arg; replaces serine 231 with arginine.
Molecular consequence: missense variant.
Genome position (GRCh38, 1-based): chrX:71,251,576, A>C on the plus strand (T>G on the coding strand, the complement: ZMYM3 is on the minus strand). VCF-style: chrX-71251576-A-C. GRCh37 (hg19) VCF-style: chrX-70471426-A-C.
Other names: c.693T>G, p.Ser231Arg (NM_001171162.1, NM_001171163.1, NM_005096.3); short protein forms S231R.
Identifiers: ClinVar variation 3371189 (VCV003371189.1).